The following is an entry in ClinVar:

ClinVar aggregate classification (germline): Likely pathogenic (1 of 4 stars; one submission).

Conditions:
Very long chain acyl-CoA dehydrogenase deficiency (ACADVLD). Also called: VLCAD Deficiency; Very Long-Chain Acyl-Coenzyme A Dehydrogenase Deficiency. Identifiers: Orphanet 26793, MedGen C3887523, MONDO:0008723, OMIM 201475.

Submissions (2):

Natera, Inc.
Classification: Likely pathogenic for Very long chain acyl-CoA dehydrogenase deficiency. Last evaluated: 2024-04-01. Review status: criteria provided, single submitter. Criteria: Natera Variant Classification Schema (03/2026). Collection method: clinical testing. Allele origin: germline.
Comment: The c.1332+1G>A variant in ACADVL is a canonical splice donor site variant predicted to affect pre-mRNA splicing, which may result in an abnormal transcript and altered protein product. This variant is expected to result in nonsense mediated decay, truncation, or a dysfunctional protein product. This variant is rare in the general population with a frequency below the threshold expected for the associated phenotype(s). Given the available evidence, this variant is classified as Likely Pathogenic.

Dr. Peter K. Rogan Lab, Western University
No classification provided (evidence only). Condition: Thyroid cancer, nonmedullary, 1. Review status: no classification provided. Collection method: in vitro. Allele origin: not applicable. Functional consequence: retained intron. Not counted in ClinVar's aggregate classification.

NM_000018.4(ACADVL):c.1332+1G>A

Gene: ACADVL (acyl-CoA dehydrogenase very long chain; plus strand). Cytogenetic location: 17p13.1.
Variant type: single nucleotide variant.
Coding change: c.1332+1G>A on transcript NM_000018.4 (MANE Select); the canonical splice donor site of the intron after coding-DNA position 1332, G replaced by A.
Molecular consequence: splice donor variant.
Genome position (GRCh38, 1-based): chr17:7,223,876, G>A. VCF-style: chr17-7223876-G-A. GRCh37 (hg19) VCF-style: chr17-7127195-G-A.
Other names: NC_000017.10:g.7127195G>A; c.1332+1G>A (NM_000018.3); c.1401+1G>A (NM_001270447.2); c.1104+1G>A (NM_001270448.2); c.1266+1G>A (NM_001033859.3).
Identifiers: ClinVar variation 4426373 (VCV004426373.2).
Genomic context (GRCh38, chr17:7,223,876, plus strand): 5'-GCAGCCTGGAAGGTGACAGATGAATGCATCCAAATCATGGGGGGTATGGGCTTCATGAAG[G>A]TACAGGACGGTCTTCTGCAGAGCCTCGGCTGGGCCAGGGGTGGGTAGGCACATCTCAGCA-3'